The following is an entry in ClinVar:

NM_001161352.2(KCNMA1):c.31_51del (p.Ser11_Gly17del)

Gene: KCNMA1 (potassium calcium-activated channel subfamily M alpha 1; minus strand). Cytogenetic location: 10q22.3.
Variant type: Deletion.
Coding change: c.31_51del on transcript NM_001161352.2 (MANE Select); coding-DNA positions 31 to 51, 21 bases deleted (AGCAGCGGCGGCGGCGGCGGC).
Protein change: p.Ser11_Gly17del.
Molecular consequence: inframe deletion.
Genome position (GRCh38, 1-based): chr10:77,637,592-77,637,612, GCCGCCGCCGCCGCCGCTGCT deleted on the plus strand (AGCAGCGGCGGCGGCGGCGGC on the coding strand, the reverse complement: KCNMA1 is on the minus strand); deleting any 21 consecutive bases within chr10:77,637,592-77,637,629 gives the same sequence; the c. name uses the placement nearest the transcript's 3' end. VCF-style (leftmost placement, unchanged base first): chr10-77637591-CGCCGCCGCCGCCGCCGCTGCT-C. GRCh37 (hg19) VCF-style: chr10-79397349-CGCCGCCGCCGCCGCCGCTGCT-C.
Other names: c.31_51del, p.Ser11_Gly17del (NM_001014797.3, NM_001161353.2, NM_001271518.2 and 12 more transcripts); c.31_51del (NM_002247.3).
Identifiers: ClinVar variation 464298 (VCV000464298.25), dbSNP rs1484259264, ClinGen allele CA594712752.

ClinVar aggregate classification (germline): Conflicting classifications of pathogenicity. Review status: criteria provided, conflicting classifications (1 of 4 stars). 5 submissions from 5 submitters: Uncertain significance (4); Likely benign (1). Last evaluated 2025-12-21.

Conditions:
Cerebellar atrophy, developmental delay, and seizures. Identifiers: MedGen C4539985, MONDO:0060551, OMIM 617643.
Generalized epilepsy-paroxysmal dyskinesia syndrome (PNKD3). Also called: Generalized epilepsy and paroxysmal dyskinesia; Paroxysmal nonkinesigenic dyskinesia, 3, with or without generalized epilepsy. Identifiers: Orphanet 79137, MedGen C5574945, MONDO:0012276, OMIM 609446.

Submissions (5):

Labcorp Genetics (formerly Invitae), Labcorp
Classification: Uncertain significance for Generalized epilepsy-paroxysmal dyskinesia syndrome. Last evaluated: 2025-12-21. Review status: criteria provided, single submitter. Criteria: Invitae Variant Classification Sherloc (09022015). Collection method: clinical testing. Allele origin: germline.
Comment: This variant, c.31_51del, results in the deletion of 7 amino acid(s) of the KCNMA1 protein (p.Ser11_Gly17del), but otherwise preserves the integrity of the reading frame. The frequency data for this variant in the population databases is considered unreliable, as metrics indicate poor data quality at this position in the gnomAD database. This variant has been observed in individual(s) with clinical features of KCNMA1-related conditions (internal data). ClinVar contains an entry for this variant (Variation ID: 464298). Experimental studies and prediction algorithms are not available or were not evaluated, and the functional significance of this variant is currently unknown. In summary, the available evidence is currently insufficient to determine the role of this variant in disease. Therefore, it has been classified as a Variant of Uncertain Significance.

GeneDx
Classification: Uncertain significance. Last evaluated: 2025-12-12. Review status: criteria provided, single submitter. Criteria: GeneDx Variant Classification Process June 2021. Collection method: clinical testing. Allele origin: germline. Affected: yes.
Comment: Observed as heterozygous variant in one patient with epilepsy and developmental delay in published literature; however, no further information was provided (PMID: 34224328); In-frame deletion of 7 amino acids in a non-repeat region; In silico analysis suggests that this variant does not alter protein structure/function; This variant is associated with the following publications: (PMID: 34224328)

Athena Diagnostics
Classification: Likely benign. Last evaluated: 2019-11-21. Review status: criteria provided, single submitter. Criteria: Athena Diagnostics Criteria. Collection method: clinical testing. Allele origin: unknown.

New York Genome Center
Classification: Uncertain significance for Cerebellar atrophy, developmental delay, and seizures. Last evaluated: 2019-10-11. Review status: criteria provided, single submitter. Criteria: NYGC Assertion Criteria 2020. Collection method: clinical testing. Allele origin: germline. Observed: 1 heterozygote. Study: CSER-NYCKidSeq.

Eurofins Ntd Llc (ga)
Classification: Uncertain significance. Last evaluated: 2018-04-09. Review status: criteria provided, single submitter. Criteria: EGL ClinVar v180209 classification definitions. Collection method: clinical testing. Allele origin: germline. Observed: 1 variant allele, 1 heterozygote.